The following is an entry in ClinVar:

NM_000432.4(MYL2):c.93+5G>A

Genes: MYL2 (myosin light chain 2; minus strand), LOC114827850 (VISTA enhancer hs2149; plus strand). Cytogenetic location: 12q24.11.
Variant type: single nucleotide variant.
Coding change: c.93+5G>A on transcript NM_000432.4 (MANE Select); 5 bases into the intron after coding-DNA position 93, G replaced by A.
Molecular consequence: intron variant.
Genome position (GRCh38, 1-based): chr12:110,919,099, C>T on the plus strand (G>A on the coding strand, the complement: MYL2 is on the minus strand). VCF-style: chr12-110919099-C-T. GRCh37 (hg19) VCF-style: chr12-111356903-C-T.
Identifiers: ClinVar variation 919586 (VCV000919586.6), dbSNP rs2071703564, ClinGen allele CA1139662880.

ClinVar aggregate classification (germline): Uncertain significance. Review status: criteria provided, multiple submitters, no conflicts (2 of 4 stars). 3 submissions from 3 submitters: Uncertain significance (3). Last evaluated 2025-08-24.

Conditions:
Cardiovascular phenotype. Identifiers: MedGen CN230736.
Cardiomyopathy (CMYO). Also called: Cardiomyopathies. Identifiers: Orphanet 167848, MedGen C0878544, MONDO:0004994, HP:0001638. Inheritance: Various modes of inheritance.
Hypertrophic cardiomyopathy 10. Also called: MYL2-Related Familial Hypertrophic Cardiomyopathy; CARDIOMYOPATHY, HYPERTROPHIC, MID-LEFT VENTRICULAR CHAMBER TYPE, 2. Identifiers: MedGen C1834460, MONDO:0012112, OMIM 608758.

Allele frequency attached by ClinVar (database versions not stated): gnomAD 0.00001.

Submissions (3):

Labcorp Genetics (formerly Invitae), Labcorp
Classification: Uncertain significance for Hypertrophic cardiomyopathy 10. Last evaluated: 2025-08-24. Review status: criteria provided, single submitter. Criteria: Invitae Variant Classification Sherloc (09022015). Collection method: clinical testing. Allele origin: germline.
Comment: This sequence change falls in intron 2 of the MYL2 gene. It does not directly change the encoded amino acid sequence of the MYL2 protein. It affects a nucleotide within the consensus splice site. This variant is not present in population databases (gnomAD no frequency). This variant has not been reported in the literature in individuals affected with MYL2-related conditions. ClinVar contains an entry for this variant (Variation ID: 919586). Variants that disrupt the consensus splice site are a relatively common cause of aberrant splicing (PMID: 17576681, 9536098). Algorithms developed to predict the effect of sequence changes on RNA splicing suggest that this variant may disrupt the consensus splice site. In summary, the available evidence is currently insufficient to determine the role of this variant in disease. Therefore, it has been classified as a Variant of Uncertain Significance.

Ambry Genetics
Classification: Uncertain significance for Cardiovascular phenotype. Last evaluated: 2022-12-19. Review status: criteria provided, single submitter. Criteria: Ambry Variant Classification Scheme 2023. Collection method: clinical testing. Allele origin: germline.
Comment: The c.93+5G>A intronic variant results from a G to A substitution 5 nucleotides after coding exon 2 in the MYL2 gene. This nucleotide position is highly conserved in available vertebrate species. In silico splice site analysis predicts that this alteration will weaken the native splice donor site. Since supporting evidence is limited at this time, the clinical significance of this alteration remains unclear.

Color Diagnostics, LLC DBA Color Health
Classification: Uncertain significance for Cardiomyopathy. Last evaluated: 2020-03-17. Review status: criteria provided, single submitter. Criteria: ACMG Guidelines, 2015. Collection method: clinical testing. Allele origin: germline.
Comment: This variant causes a G to A nucleotide substitution at the +5 position of intron 2 of the MYL2 gene. Splice site prediction tools predict that this variant may have a significant impact on RNA splicing. To our knowledge, functional studies have not been reported for this variant. This variant has not been reported in individuals affected with cardiovascular disorders in the literature. This variant has not been identified in the general population by the Genome Aggregation Database (gnomAD). The available evidence is insufficient to determine the role of this variant in disease conclusively. Therefore, this variant is classified as a Variant of Uncertain Significance.

Literature cited by the submitters: PubMed 17576681 (cited by Labcorp Genetics (formerly Invitae), Labcorp); PubMed 9536098 (cited by Labcorp Genetics (formerly Invitae), Labcorp).